The following is an entry in ClinVar:

ClinVar aggregate classification (germline): Likely benign. Review status: criteria provided, multiple submitters, no conflicts (2 of 4 stars). 4 submissions from 4 submitters: Likely benign (4). Last evaluated 2025-05-22.

Conditions:
Charcot-Marie-Tooth disease type 4. Also called: Charcot-Marie-Tooth disease, type IV; Charcot-Marie-Tooth, Type 4. Identifiers: Orphanet 64749, MedGen C4082197, MONDO:0018995.
Inborn genetic diseases. Identifiers: MedGen C0950123, MeSH D030342.

Allele frequency attached by ClinVar (database versions not stated): TOPMed below 0.00001; gnomAD 0.00001; gnomAD exomes 0.00001 and 0.00002; ExAC 0.00004.

Submissions (4):

Labcorp Genetics (formerly Invitae), Labcorp
Classification: Likely benign for Charcot-Marie-Tooth disease type 4. Last evaluated: 2025-05-22. Review status: criteria provided, single submitter. Criteria: Invitae Variant Classification Sherloc (09022015). Collection method: clinical testing. Allele origin: germline.

CeGaT Center for Human Genetics Tuebingen
Classification: Likely benign. Last evaluated: 2023-07-01. Review status: criteria provided, single submitter. Criteria: CeGaT Center For Human Genetics Tuebingen Variant Classification Criteria Version 2. Collection method: clinical testing. Allele origin: germline. Affected: yes. Observed: 1 variant allele.
Comment: NDRG1: BP4, BP7

Ambry Genetics
Classification: Likely benign for Inborn genetic diseases. Last evaluated: 2019-07-11. Review status: criteria provided, single submitter. Criteria: Ambry Variant Classification Scheme 2023. Collection method: clinical testing. Allele origin: germline.

GeneDx
Classification: Likely benign. Last evaluated: 2016-04-05. Review status: criteria provided, single submitter. Criteria: GeneDx Variant Classification (06012015). Collection method: clinical testing. Allele origin: germline. Affected: yes.
Comment: This variant is considered likely benign or benign based on one or more of the following criteria: it is a conservative change, it occurs at a poorly conserved position in the protein, it is predicted to be benign by multiple in silico algorithms, and/or has population frequency not consistent with disease.

NM_006096.4(NDRG1):c.732G>A (p.Pro244=)

Genes: NDRG1 (N-myc downstream regulated 1; minus strand), LOC126860531 (CDK7 strongly-dependent group 2 enhancer GRCh37_chr8:134259869-134261068; plus strand). Cytogenetic location: 8q24.22.
Variant type: single nucleotide variant.
Coding change: c.732G>A on transcript NM_006096.4 (MANE Select); coding-DNA position 732, G replaced by A.
Protein change: p.Pro244=; no amino-acid change (proline 244 retained).
Molecular consequence: synonymous variant.
Genome position (GRCh38, 1-based): chr8:133,248,738, C>T on the plus strand (G>A on the coding strand, the complement: NDRG1 is on the minus strand). VCF-style: chr8-133248738-C-T. GRCh37 (hg19) VCF-style: chr8-134260981-C-T.
Other names: c.732G>A, p.Pro244= (NM_001135242.2, NM_001374845.1, NM_001374846.1); c.534G>A, p.Pro178= (NM_001258432.2, NM_001374847.1); c.489G>A, p.Pro163= (NM_001258433.2); c.783G>A, p.Pro261= (NM_001374844.1).
Identifiers: ClinVar variation 385134 (VCV000385134.37), dbSNP rs532191834, ClinGen allele CA4886621.
Genomic context (GRCh38, chr8:133,248,738, plus strand): 5'-CCGACTGCAAGTGCTGGGGGAGAGAAAAGCCACTCACTGCAGGGTGACTGTGTGGGTTCC[C>T]GGCATTGGTCGCTCAATCTCCAGGTCGCGCCGGCTGCAGGAAACAAATGCATCATTAGCA-3'
Protein context (NP_006087.2, residues 234-254): RRDLEIERPM[Pro244=]GTHTVTLQCP